The following is an entry in ClinVar:

ClinVar aggregate classification (germline): Uncertain significance. Review status: criteria provided, multiple submitters, no conflicts (2 of 4 stars). 2 submissions from 2 submitters: Uncertain significance (2). Last evaluated 2025-01-03.

gnomAD v4.1: 4 of 1,550,766 alleles (0.00026%); highest among the groups gnomAD compares: Non-Finnish European, 0.00035%; no homozygotes.

Submissions (2):

Greenwood Genetic Center Diagnostic Laboratories, Greenwood Genetic Center
Classification: Uncertain significance. Last evaluated: 2025-01-03. Review status: criteria provided, single submitter. Criteria: ACMG Guidelines, 2015. Collection method: clinical testing. Allele origin: germline.
Comment: PM2, BP4

CeGaT Center for Human Genetics Tuebingen
Classification: Uncertain significance. Last evaluated: 2022-10-01. Review status: criteria provided, single submitter. Criteria: CeGaT Center For Human Genetics Tuebingen Variant Classification Criteria Version 2. Collection method: clinical testing. Allele origin: germline. Affected: yes. Observed: 1 variant allele.

NM_001145809.2(MYH14):c.4213G>T (p.Gly1405Trp)

Gene: MYH14 (myosin heavy chain 14; plus strand). Cytogenetic location: 19q13.33.
Variant type: single nucleotide variant.
Coding change: c.4213G>T on transcript NM_001145809.2 (MANE Select); coding-DNA position 4213, G replaced by T.
Protein change: p.Gly1405Trp; replaces glycine 1405 with tryptophan.
Molecular consequence: missense variant.
Genome position (GRCh38, 1-based): chr19:50,280,306, G>T. VCF-style: chr19-50280306-G-T. GRCh37 (hg19) VCF-style: chr19-50783563-G-T.
Other names: c.4114G>T, p.Gly1372Trp (NM_001077186.2); c.4090G>T, p.Gly1364Trp (NM_024729.4); c.4090G>T (NM_024729.3); short protein forms G1364W, G1372W, G1405W.
Identifiers: ClinVar variation 2650312 (VCV002650312.25), dbSNP rs1261762088, ClinGen allele CA406957559.